The following is an entry in ClinVar:

NM_022367.4(SEMA4A):c.1585C>G (p.Pro529Ala)

Gene: SEMA4A (semaphorin 4A; plus strand). Cytogenetic location: 1q22.
Variant type: single nucleotide variant.
Coding change: c.1585C>G on transcript NM_022367.4 (MANE Select); coding-DNA position 1585, C replaced by G.
Protein change: p.Pro529Ala; replaces proline 529 with alanine.
Molecular consequence: missense variant.
Genome position (GRCh38, 1-based): chr1:156,175,236, C>G. VCF-style: chr1-156175236-C-G. GRCh37 (hg19) VCF-style: chr1-156145027-C-G.
Other names: c.1078C>G, p.Pro360Ala (NM_001370571.1, NM_001370569.1); c.1585C>G, p.Pro529Ala (NM_001193300.2, NM_001193301.2, NM_001370567.1); c.1189C>G, p.Pro397Ala (NM_001193302.2); c.1288C>G, p.Pro430Ala (NM_001370568.1); short protein forms P360A, P430A, P397A, P529A.
Identifiers: ClinVar variation 3003276 (VCV003003276.3), dbSNP rs2528306812, ClinGen allele CA342809762.

ClinVar aggregate classification (germline): Uncertain significance (1 of 4 stars; one submission).

Submission:

Labcorp Genetics (formerly Invitae), Labcorp
Classification: Uncertain significance. Last evaluated: 2023-04-24. Review status: criteria provided, single submitter. Criteria: Invitae Variant Classification Sherloc (09022015). Collection method: clinical testing. Allele origin: germline.
Comment: This variant is not present in population databases (gnomAD no frequency). In summary, the available evidence is currently insufficient to determine the role of this variant in disease. Therefore, it has been classified as a Variant of Uncertain Significance. Advanced modeling of protein sequence and biophysical properties (such as structural, functional, and spatial information, amino acid conservation, physicochemical variation, residue mobility, and thermodynamic stability) performed at Invitae indicates that this missense variant is not expected to disrupt SEMA4A protein function. This variant has not been reported in the literature in individuals affected with SEMA4A-related conditions. This sequence change replaces proline, which is neutral and non-polar, with alanine, which is neutral and non-polar, at codon 529 of the SEMA4A protein (p.Pro529Ala).